The following continues an entry in ClinVar:

NM_007373.4(SHOC2):c.4A>G (p.Ser2Gly)

Gene: SHOC2. ClinVar aggregate classification (germline): Pathogenic. Pathogenic (1).

Submissions 40 to 51 of 51:

Laboratory for Molecular Medicine, Mass General Brigham Personalized Medicine
Classification: Pathogenic for Noonan syndrome. Last evaluated: 2014-12-03. Review status: criteria provided, single submitter. Criteria: LMM Criteria. Collection method: clinical testing. Allele origin: germline. Inheritance: Autosomal dominant inheritance. Observed: 30 variant alleles. Not counted in ClinVar's aggregate classification.
Comment: The p.Ser2Gly variant in SHOC2 is an established pathogenic variant for Noonan s yndrome with loose anagen hair. The variant was identified in >40 affected indiv iduals across multiple studies and in multiple cases was shown to be de novo (Co rdeddu 2009, Komatsuzaki 2010, Gripp 2013, LMM data). It has not been identified large population studies. In vitro functional studies provide some evidence tha t the p.Ser2Gly variant impacts protein function (Cordeddu 2009). In summary, th is variant meets our criteria to be classified as pathogenic for Noonan syndrome in an autosomal dominant manner.

HudsonAlpha Institute for Biotechnology
Classification: Pathogenic for Noonan syndrome-like disorder with loose anagen hair 1. Last evaluated: 2014-09-11. Review status: criteria provided, single submitter. Criteria: HA_assertions_20161101. Collection method: research. Allele origin: de novo. Affected: yes. Study: CSER-HudsonAlpha. Not counted in ClinVar's aggregate classification.

UCLA Clinical Genomics Center, UCLA
Classification: Likely pathogenic for Noonan-like syndrome with loose anagen hair. Last evaluated: 2013-11-26. Review status: criteria provided, single submitter. Criteria: Lee et al. (JAMA. 2014). Collection method: clinical testing. Allele origin: de novo. Inheritance: Autosomal dominant inheritance. Affected: yes. Study: CES. Not counted in ClinVar's aggregate classification.

Clinical Genetics Service, Universitary Hospital 12 de Octubre
Classification: Pathogenic for Noonan syndrome-like disorder with loose anagen hair 1. Review status: criteria provided, single submitter. Criteria: ACMG Guidelines, 2015. Collection method: clinical testing. Allele origin: de novo. Affected: yes. Not counted in ClinVar's aggregate classification.

Genomic Medicine Lab, University of California San Francisco
Classification: Pathogenic for Noonan syndrome-like disorder with loose anagen hair 1. Review status: criteria provided, single submitter. Criteria: ACMG Guidelines, 2015. Collection method: clinical testing. Allele origin: de novo. Study: CSER. Not counted in ClinVar's aggregate classification.

Institute for Medical Genetics and Human Genetics, Charité - Universitätsmedizin Berlin
Classification: Pathogenic for Noonan syndrome-like disorder with loose anagen hair 1; Pectus excavatum. Review status: criteria provided, single submitter. Criteria: ACMG Guidelines, 2015. Collection method: not provided. Allele origin: germline. Inheritance: Autosomal dominant inheritance. Affected: yes. Not counted in ClinVar's aggregate classification.

Neuberg Centre For Genomic Medicine, NCGM
Classification: Pathogenic for Noonan syndrome-like disorder with loose anagen hair 1. Review status: criteria provided, single submitter. Criteria: ACMG Guidelines, 2015. Collection method: clinical testing. Allele origin: germline. Inheritance: Autosomal dominant inheritance. Affected: yes. Not counted in ClinVar's aggregate classification.
Comment: The missense c.4A>G(p.Ser2Gly) variant in SHOC2 gene has been reported previously in individual(s) affected with Noonan syndrome with loose anagen hair (Gripp KW, et. al., 2013; Choi JH, et. al., 2015). Functional studies indicate that this variant has a damaging effect on the gene or the gene product (Cordeddu V, et. al., 2009). The p.Ser2Gly variant is novel (not in any individuals) in both gnomAD Exomes and 1000 Genomes databases. This variant has been submitted to ClinVar database as Likely Pathogenic / Pathogenic (multiple submissions). The amino acid change p.Ser2Gly in SHOC2 is predicted as conserved by GERP++ and PhyloP across 100 vertebrates. The amino acid Ser at position 2 is changed to a Gly changing protein sequence and it might alter its composition and physico-chemical properties. For these reasons, this variant has been classified as Pathogenic.

OMIM
Classification: Pathogenic for NOONAN SYNDROME-LIKE DISORDER WITH LOOSE ANAGEN HAIR 1. Last evaluated: 2013-10-01. Review status: no assertion criteria provided. Collection method: literature only. Allele origin: germline. Not counted in ClinVar's aggregate classification.

Baylor Genetics
Classification: Pathogenic for Rasopathy. Review status: no assertion criteria provided. Collection method: clinical testing. Allele origin: unknown. Affected: yes. Not counted in ClinVar's aggregate classification.
Comment: Variant classified using ACMG guidelines

Clinical Genetics DNA and cytogenetics Diagnostics Lab, Erasmus MC, Erasmus Medical Center
Classification: Pathogenic. Review status: no assertion criteria provided. Collection method: clinical testing. Allele origin: germline. Affected: yes. Study: VKGL Data-share Consensus. Not counted in ClinVar's aggregate classification.

Institute of Molecular Pathology and Immunology of the University of Porto (IPATIMUP)
No classification provided. Condition: Noonan-like syndrome with loose anagen hair. Review status: no classification provided. Collection method: not provided. Allele origin: germline. Not counted in ClinVar's aggregate classification.

Joint Genome Diagnostic Labs from Nijmegen and Maastricht, Radboudumc and MUMC+
Classification: Pathogenic. Review status: no assertion criteria provided. Collection method: clinical testing. Allele origin: germline. Affected: yes. Study: VKGL Data-share Consensus. Not counted in ClinVar's aggregate classification.

Literature cited by the submitters: PubMed 23918763 (cited by 9 submitters); PubMed 21548061 (cited by 6 submitters); PubMed 19684605 (cited by 14 submitters); PubMed 22528146 (cited by 9 submitters); PubMed 24458587 (cited by 3 submitters); PubMed 25563136 (cited by 3 submitters); PubMed 25331583 (cited by 4 submitters); PubMed 20882035 (cited by 6 submitters); PubMed 22995099 (cited by 4 submitters); PubMed 25123707 (cited by 3 submitters); PubMed 22606262 (cited by 3 submitters); PubMed 31059601 (cited by Dasa); PubMed 21784453 (cited by Dasa and Women's Health and Genetics/Laboratory Corporation of America, LabCorp); PubMed 22419608 (cited by Dasa and Women's Health and Genetics/Laboratory Corporation of America, LabCorp); PubMed 29493581 (cited by Dasa); PubMed 34008892 (cited by Laboratory of Medical Genetics, National & Kapodistrian University of Athens); PubMed 25326635 (cited by Baylor Genetics); PubMed 23786871 (cited by Women's Health and Genetics/Laboratory Corporation of America, LabCorp); PubMed 23885229 (cited by Women's Health and Genetics/Laboratory Corporation of America, LabCorp); PubMed 22253195 (cited by Women's Health and Genetics/Laboratory Corporation of America, LabCorp); PubMed 21396583 (cited by Women's Health and Genetics/Laboratory Corporation of America, LabCorp); PubMed 23756559 (cited by Women's Health and Genetics/Laboratory Corporation of America, LabCorp); PubMed 27466182 (cited by Mayo Clinic Laboratories, Mayo Clinic); PubMed 26519477 (cited by Mayo Clinic Laboratories, Mayo Clinic); PubMed 24458596 (cited by Blueprint Genetics); PubMed 30348783 (cited by OMIM).